The following is an entry in ClinVar:

NM_015450.3(POT1):c.1051A>C (p.Ile351Leu)

Gene: POT1 (protection of telomeres 1; minus strand). Cytogenetic location: 7q31.33.
Variant type: single nucleotide variant.
Coding change: c.1051A>C on transcript NM_015450.3 (MANE Select); coding-DNA position 1051, A replaced by C.
Protein change: p.Ile351Leu; replaces isoleucine 351 with leucine.
Molecular consequence: missense variant. On other transcripts: non-coding transcript variant (3).
Genome position (GRCh38, 1-based): chr7:124,842,919, T>G on the plus strand (A>C on the coding strand, the complement: POT1 is on the minus strand). VCF-style: chr7-124842919-T-G. GRCh37 (hg19) VCF-style: chr7-124482973-T-G.
Other names: c.658A>C, p.Ile220Leu (NM_001042594.2); short protein forms I220L, I351L.
Identifiers: ClinVar variation 2585765 (VCV002585765.2), dbSNP rs2116468129, ClinGen allele CA369068509.

ClinVar aggregate classification (germline): Uncertain significance (1 of 4 stars; one submission).

Conditions:
Hereditary cancer-predisposing syndrome. Also called: Hereditary neoplastic syndrome; Tumor predisposition; Hereditary Cancer Syndrome; Neoplastic Syndromes, Hereditary. Identifiers: Orphanet 140162, MedGen C0027672, MeSH D009386, MONDO:0015356.

Submission:

Ambry Genetics
Classification: Uncertain significance for Hereditary cancer-predisposing syndrome. Last evaluated: 2023-08-07. Review status: criteria provided, single submitter. Criteria: Ambry Variant Classification Scheme 2023. Collection method: clinical testing. Allele origin: germline.
Comment: The p.I351L variant (also known as c.1051A>C), located in coding exon 9 of the POT1 gene, results from an A to C substitution at nucleotide position 1051. The isoleucine at codon 351 is replaced by leucine, an amino acid with highly similar properties. This amino acid position is conserved. In addition, this alteration is predicted to be tolerated by in silico analysis. Since supporting evidence is limited at this time, the clinical significance of this alteration remains unclear.